The following is an entry in ClinVar:

NM_001447.3(FAT2):c.4973C>T (p.Pro1658Leu)

Genes: FAT2 (FAT atypical cadherin 2; minus strand), SLC36A1 (solute carrier family 36 member 1; plus strand). Cytogenetic location: 5q33.1.
Variant type: single nucleotide variant.
Coding change: c.4973C>T on transcript NM_001447.3 (MANE Select); coding-DNA position 4973, C replaced by T.
Protein change: p.Pro1658Leu; replaces proline 1658 with leucine.
Molecular consequence: missense variant.
Genome position (GRCh38, 1-based): chr5:151,546,154, G>A on the plus strand (C>T on the coding strand, the complement: FAT2 is on the minus strand). VCF-style: chr5-151546154-G-A. GRCh37 (hg19) VCF-style: chr5-150925715-G-A.
Other names: short protein forms P1658L.
Identifiers: ClinVar variation 4741647 (VCV004741647.1).

ClinVar aggregate classification (germline): Uncertain significance (1 of 4 stars; one submission).

Submission:

Labcorp Genetics (formerly Invitae), Labcorp
Classification: Uncertain significance. Last evaluated: 2025-11-27. Review status: criteria provided, single submitter. Criteria: Invitae Variant Classification Sherloc (09022015). Collection method: clinical testing. Allele origin: germline.
Comment: This sequence change replaces proline, which is neutral and non-polar, with leucine, which is neutral and non-polar, at codon 1658 of the FAT2 protein (p.Pro1658Leu). This variant is not present in population databases (gnomAD no frequency). This variant has not been reported in the literature in individuals affected with FAT2-related conditions. Invitae Evidence Modeling of protein sequence and biophysical properties (such as structural, functional, and spatial information, amino acid conservation, physicochemical variation, residue mobility, and thermodynamic stability) has been performed for this missense variant. However, the output from this modeling did not meet the statistical confidence thresholds required to predict the impact of this variant on FAT2 protein function. In summary, the available evidence is currently insufficient to determine the role of this variant in disease. Therefore, it has been classified as a Variant of Uncertain Significance.